The following is an entry in ClinVar:

NM_000257.4(MYH7):c.1565A>G (p.Asp522Gly)

Gene: MYH7 (myosin heavy chain 7; minus strand). Cytogenetic location: 14q11.2.
Variant type: single nucleotide variant.
Coding change: c.1565A>G on transcript NM_000257.4 (MANE Select); coding-DNA position 1565, A replaced by G.
Protein change: p.Asp522Gly; replaces aspartic acid 522 with glycine.
Molecular consequence: missense variant.
Genome position (GRCh38, 1-based): chr14:23,428,513, T>C on the plus strand (A>G on the coding strand, the complement: MYH7 is on the minus strand). VCF-style: chr14-23428513-T-C. GRCh37 (hg19) VCF-style: chr14-23897722-T-C.
Other names: c.1565A>G, p.Asp522Gly (NM_001407004.1); short protein forms D522G.
Identifiers: ClinVar variation 3636043 (VCV003636043.2).

ClinVar aggregate classification (germline): Uncertain significance (1 of 4 stars; one submission).

Conditions:
Hypertrophic cardiomyopathy. Also called: HYPERTROPHIC MYOCARDIOPATHY. Identifiers: Orphanet 217569, MedGen C0007194, MeSH D002312, MONDO:0005045, HP:0001639.

Submission:

Labcorp Genetics (formerly Invitae), Labcorp
Classification: Uncertain significance for Hypertrophic cardiomyopathy. Last evaluated: 2025-01-19. Review status: criteria provided, single submitter. Criteria: Invitae Variant Classification Sherloc (09022015). Collection method: clinical testing. Allele origin: germline.
Comment: This sequence change replaces aspartic acid, which is acidic and polar, with glycine, which is neutral and non-polar, at codon 522 of the MYH7 protein (p.Asp522Gly). This variant is not present in population databases (gnomAD no frequency). This variant has not been reported in the literature in individuals affected with MYH7-related conditions. Invitae Evidence Modeling of protein sequence and biophysical properties (such as structural, functional, and spatial information, amino acid conservation, physicochemical variation, residue mobility, and thermodynamic stability) indicates that this missense variant is expected to disrupt MYH7 protein function with a positive predictive value of 95%. In summary, the available evidence is currently insufficient to determine the role of this variant in disease. Therefore, it has been classified as a Variant of Uncertain Significance.